The following is an entry in ClinVar:

NM_031308.4(EPPK1):c.6052G>A (p.Asp2018Asn)

Gene: EPPK1 (epiplakin 1; minus strand). Cytogenetic location: 8q24.3.
Variant type: single nucleotide variant.
Coding change: c.6052G>A on transcript NM_031308.4 (MANE Select); coding-DNA position 6052, G replaced by A.
Protein change: p.Asp2018Asn; replaces aspartic acid 2018 with asparagine.
Molecular consequence: missense variant.
Genome position (GRCh38, 1-based): chr8:143,867,202, C>T on the plus strand (G>A on the coding strand, the complement: EPPK1 is on the minus strand). VCF-style: chr8-143867202-C-T. GRCh37 (hg19) VCF-style: chr8-144941370-C-T.
Other names: short protein forms D2018N.
Identifiers: ClinVar variation 3035526 (VCV003035526.2), dbSNP rs139977710, ClinGen allele CA4921944.
Genomic context (GRCh38, chr8:143,867,202, plus strand): 5'-TGTGCAGACAGCCCCGTCTGTAGGCTGTTTCCAGTGGGAGCCGGTGGTGGTGCTGTGGGT[C>T]GATGACACCCCCCGTGGCCACCTGCACCTCCAGCAGCCTCAGTGCCTCCGCCTTCTCGAT-3'
Protein context (NP_112598.3, residues 2008-2028): EVQVATGGVI[Asp2018Asn]PQHHHRLPLE

ClinVar aggregate classification (germline): Benign (0 of 4 stars; one submission).

Conditions:
EPPK1-related disorder. Also called: EPPK1-related condition.

Allele frequency attached by ClinVar (database versions not stated): ExAC 0.00071; 1000 Genomes Project 0.00140; 1000 Genomes Project 30x 0.00141; gnomAD 0.00253; ESP Exome Variant Server 0.00266; TOPMed 0.00325.
gnomAD v4.1: 863 of 1,612,724 alleles (0.054%); highest among the groups gnomAD compares: African/African-American, 0.96%; 3 homozygotes.

Submission:

PreventionGenetics, part of Exact Sciences
Classification: Benign for EPPK1-related condition. Last evaluated: 2021-06-15. Review status: no assertion criteria provided. Collection method: clinical testing. Allele origin: germline.
Comment: This variant is classified as benign based on ACMG/AMP sequence variant interpretation guidelines (Richards et al. 2015 PMID: 25741868, with internal and published modifications).